The following is an entry in ClinVar:

NM_006659.4(TUBGCP2):c.813C>T (p.Ser271=)

Genes: TUBGCP2 (tubulin gamma complex component 2; minus strand), LOC126861106 (P300/CBP strongly-dependent group 1 enhancer GRCh37_chr10:135106330-135107529; plus strand). Cytogenetic location: 10q26.3.
Variant type: single nucleotide variant.
Coding change: c.813C>T on transcript NM_006659.4 (MANE Select); coding-DNA position 813, C replaced by T.
Protein change: p.Ser271=; no amino-acid change (serine 271 retained).
Molecular consequence: synonymous variant. On other transcripts: non-coding transcript variant (1).
Genome position (GRCh38, 1-based): chr10:133,293,573, G>A on the plus strand (C>T on the coding strand, the complement: TUBGCP2 is on the minus strand). VCF-style: chr10-133293573-G-A. GRCh37 (hg19) VCF-style: chr10-135107077-G-A.
Other names: c.897C>T, p.Ser299= (NM_001256617.2); c.423C>T, p.Ser141= (NM_001256618.2).
Identifiers: ClinVar variation 2641023 (VCV002641023.24), dbSNP rs766939009, ClinGen allele CA5764367.
Genomic context (GRCh38, chr10:133,293,573, plus strand): 5'-CCCTCCCCCACAACAGCGCAGGCTCCCAGGGACCGCGCCCGGTGCCCACCTGGTCACAGC[G>A]GAGTAGCTGGCGGCCACTGGGAGGATCCTGTGCACCAGCTCCCTGATGGACAGGTCCAGG-3'
Protein context (NP_006650.1, residues 261-281): HRILPVAASY[Ser271=]AVTRFIEEKS

ClinVar aggregate classification (germline): Likely benign (1 of 4 stars; one submission).

Allele frequency attached by ClinVar (database versions not stated): TOPMed 0.00014; gnomAD exomes 0.00015; ExAC 0.00005; gnomAD 0.00012.
gnomAD v4.1: 221 of 1,552,090 alleles (0.014%); highest among the groups gnomAD compares: Non-Finnish European, 0.017%; no homozygotes.

Submission:

CeGaT Center for Human Genetics Tuebingen
Classification: Likely benign. Last evaluated: 2024-07-01. Review status: criteria provided, single submitter. Criteria: CeGaT Center For Human Genetics Tuebingen Variant Classification Criteria Version 2. Collection method: clinical testing. Allele origin: germline. Affected: yes. Observed: 2 variant alleles.
Comment: TUBGCP2: BP4, BP7